The following is an entry in ClinVar:

ClinVar aggregate classification (germline): Uncertain significance (1 of 4 stars; one submission).

gnomAD v4.1: 1 of 1,613,344 alleles (0.000062%); highest among the groups gnomAD compares: Non-Finnish European, 0.000085%; no homozygotes.

Submission:

Labcorp Genetics (formerly Invitae), Labcorp
Classification: Uncertain significance. Last evaluated: 2021-11-16. Review status: criteria provided, single submitter. Criteria: Invitae Variant Classification Sherloc (09022015). Collection method: clinical testing. Allele origin: germline.
Comment: In summary, the available evidence is currently insufficient to determine the role of this variant in disease. Therefore, it has been classified as a Variant of Uncertain Significance. Algorithms developed to predict the effect of missense changes on protein structure and function output the following: SIFT: "Tolerated"; PolyPhen-2: "Benign"; Align-GVGD: "Class C0". The valine amino acid residue is found in multiple mammalian species, which suggests that this missense change does not adversely affect protein function. This variant has not been reported in the literature in individuals affected with RBP3-related conditions. This variant is not present in population databases (gnomAD no frequency). This sequence change replaces isoleucine, which is neutral and non-polar, with valine, which is neutral and non-polar, at codon 916 of the RBP3 protein (p.Ile916Val).

NM_002900.3(RBP3):c.2746A>G (p.Ile916Val)

Gene: RBP3 (retinol binding protein 3; plus strand). Cytogenetic location: 10q11.22.
Variant type: single nucleotide variant.
Coding change: c.2746A>G on transcript NM_002900.3 (MANE Select); coding-DNA position 2746, A replaced by G.
Protein change: p.Ile916Val; replaces isoleucine 916 with valine.
Molecular consequence: missense variant.
Genome position (GRCh38, 1-based): chr10:47,351,230, A>G. VCF-style: chr10-47351230-A-G. GRCh37 (hg19) VCF-style: chr10-48388132-T-C.
Other names: short protein forms I916V.
Identifiers: ClinVar variation 1433773 (VCV001433773.6), dbSNP rs1555211542, ClinGen allele CA376674843.
Genomic context (GRCh38, chr10:47,351,230, plus strand): 5'-CAGATGGCCATGAGTGCCACCACAGGCAAGGCCTGGGACCTGGCTGGTGTGGAGCCCGAC[A>G]TCACTGTGCCCATGAGCGAAGCCCTTTCCATAGCCCAGGACATAGTGGCTCTGCGTGCCA-3'
Protein context (NP_002891.1, residues 906-926): AWDLAGVEPD[Ile916Val]TVPMSEALSI